The following is an entry in ClinVar:

NM_004104.5(FASN):c.3172G>A (p.Asp1058Asn)

Gene: FASN (fatty acid synthase; minus strand). Cytogenetic location: 17q25.3.
Variant type: single nucleotide variant.
Coding change: c.3172G>A on transcript NM_004104.5 (MANE Select); coding-DNA position 3172, G replaced by A.
Protein change: p.Asp1058Asn; replaces aspartic acid 1058 with asparagine.
Molecular consequence: missense variant.
Genome position (GRCh38, 1-based): chr17:82,087,376, C>T on the plus strand (G>A on the coding strand, the complement: FASN is on the minus strand). VCF-style: chr17-82087376-C-T. GRCh37 (hg19) VCF-style: chr17-80045252-C-T.
Other names: short protein forms D1058N.
Identifiers: ClinVar variation 1432024 (VCV001432024.6), dbSNP rs768695138, ClinGen allele CA8852491.

ClinVar aggregate classification (germline): Uncertain significance (1 of 4 stars; one submission).

Conditions:
Epileptic encephalopathy. Identifiers: MedGen C0543888, HP:0200134.

Allele frequency attached by ClinVar (database versions not stated): gnomAD exomes 0.00001 and 0.00002; ExAC 0.00003.
gnomAD v4.1: 14 of 1,612,626 alleles (0.00087%); highest among the groups gnomAD compares: African/African-American, 0.0053%; no homozygotes.

Submission:

Labcorp Genetics (formerly Invitae), Labcorp
Classification: Uncertain significance for Epileptic encephalopathy. Last evaluated: 2024-07-10. Review status: criteria provided, single submitter. Criteria: Invitae Variant Classification Sherloc (09022015). Collection method: clinical testing. Allele origin: germline.
Comment: This sequence change replaces aspartic acid, which is acidic and polar, with asparagine, which is neutral and polar, at codon 1058 of the FASN protein (p.Asp1058Asn). This variant is present in population databases (rs768695138, gnomAD 0.006%). This variant has not been reported in the literature in individuals affected with FASN-related conditions. ClinVar contains an entry for this variant (Variation ID: 1432024). An algorithm developed to predict the effect of missense changes on protein structure and function (PolyPhen-2) suggests that this variant is likely to be tolerated. In summary, the available evidence is currently insufficient to determine the role of this variant in disease. Therefore, it has been classified as a Variant of Uncertain Significance.